The following is an entry in ClinVar:

NM_014956.5(CEP164):c.98C>G (p.Ala33Gly)

Gene: CEP164 (centrosomal protein 164; plus strand). Cytogenetic location: 11q23.3.
Variant type: single nucleotide variant.
Coding change: c.98C>G on transcript NM_014956.5 (MANE Select); coding-DNA position 98, C replaced by G.
Protein change: p.Ala33Gly; replaces alanine 33 with glycine.
Molecular consequence: missense variant. On other transcripts: 5 prime UTR variant (1).
Genome position (GRCh38, 1-based): chr11:117,344,181, C>G. VCF-style: chr11-117344181-C-G. GRCh37 (hg19) VCF-style: chr11-117214897-C-G.
Other names: c.98C>G, p.Ala33Gly (NM_001271933.2, NM_001440949.1, NM_001440950.1 and 36 more transcripts); c.-41C>G (NM_001440960.1); short protein forms A33G.
Identifiers: ClinVar variation 4977834 (VCV004977834.1).
Genomic context (GRCh38, chr11:117,344,181, plus strand): 5'-TTCTTTTCATCTCTCTTACTTTCCCACCTCTGCCTCTCCTTGCAGAAATTCTTGAATTTG[C>G]CCGGGAGATTGGTATTGATCCCATCAAGGAACCAGAACTGATGTGGCTGGCGCGAGAGGG-3'
Protein context (NP_055771.4, residues 23-43): IPSEQEILEF[Ala33Gly]REIGIDPIKE

ClinVar aggregate classification (germline): Uncertain significance (1 of 4 stars; one submission).

Conditions:
CEP164-related disorder. Also called: CEP164-related condition.

gnomAD v4.1: 20 of 1,610,700 alleles (0.0012%); highest among the groups gnomAD compares: African/African-American, 0.0027%; no homozygotes.

Submission:

PreventionGenetics, part of Exact Sciences
Classification: Uncertain significance for CEP164-related condition. Last evaluated: 2025-07-13. Review status: criteria provided, single submitter. Criteria: ACMG Guidelines, 2015. Collection method: clinical testing. Allele origin: germline.
Comment: The CEP164 c.98C>G variant is predicted to result in the amino acid substitution p.Ala33Gly. To our knowledge, this variant has not been reported in the literature. This variant is reported in 0.0065% of alleles in individuals of European (Non-Finnish) descent in gnomAD. At this time, the clinical significance of this variant is uncertain due to the absence of conclusive functional and genetic evidence.